The following is an entry in ClinVar:

NM_001148.6(ANK2):c.6484G>A (p.Ala2162Thr)

Gene: ANK2 (ankyrin 2; plus strand). Cytogenetic location: 4q26.
Variant type: single nucleotide variant.
Coding change: c.6484G>A on transcript NM_001148.6 (MANE Select); coding-DNA position 6484, G replaced by A.
Protein change: p.Ala2162Thr; replaces alanine 2162 with threonine.
Molecular consequence: missense variant. On other transcripts: intron variant (68).
Genome position (GRCh38, 1-based): chr4:113,355,102, G>A. VCF-style: chr4-113355102-G-A. GRCh37 (hg19) VCF-style: chr4-114276258-G-A.
Other names: c.6625G>A, p.Ala2209Thr (NM_001386174.1); c.6601G>A, p.Ala2201Thr (NM_001386175.1); c.4411+4853G>A (NM_001386186.2, NM_001386148.2); c.4213+4853G>A (NM_001354269.3); c.4291+4853G>A (NM_001386187.2); c.4252+4853G>A (NM_001386147.1); c.4270+4853G>A (NM_001386160.1); c.4375+4853G>A (NM_001354254.2); and 35 more; short protein forms A2084T, A2209T, A2162T, A962T, A2201T.
Identifiers: ClinVar variation 4051079 (VCV004051079.1).

ClinVar aggregate classification (germline): Uncertain significance (1 of 4 stars; one submission).

Conditions:
Cardiovascular phenotype. Identifiers: MedGen CN230736.

gnomAD v4.1: 2 of 1,614,056 alleles (0.00012%); highest among the groups gnomAD compares: South Asian, 0.0011%; no homozygotes.

Submission:

Ambry Genetics
Classification: Uncertain significance for Cardiovascular phenotype. Last evaluated: 2025-05-03. Review status: criteria provided, single submitter. Criteria: Ambry Variant Classification Scheme 2023. Collection method: clinical testing. Allele origin: germline.
Comment: The p.A2162T variant (also known as c.6484G>A), located in coding exon 38 of the ANK2 gene, results from a G to A substitution at nucleotide position 6484. The alanine at codon 2162 is replaced by threonine, an amino acid with similar properties. This amino acid position is conserved. In addition, this alteration is predicted to be tolerated by in silico analysis. Based on the available evidence, the clinical significance of this variant remains unclear.